The following is an entry in ClinVar:

NM_021098.3(CACNA1H):c.1120-3C>G

Gene: CACNA1H (calcium voltage-gated channel subunit alpha1 H; plus strand). Cytogenetic location: 16p13.3.
Variant type: single nucleotide variant.
Coding change: c.1120-3C>G on transcript NM_021098.3 (MANE Select); 3 bases into the intron before coding-DNA position 1120, C replaced by G.
Molecular consequence: intron variant.
Genome position (GRCh38, 1-based): chr16:1,200,713, C>G. VCF-style: chr16-1200713-C-G. GRCh37 (hg19) VCF-style: chr16-1250713-C-G.
Other names: c.1120-3C>G (NM_001005407.2).
Identifiers: ClinVar variation 3749343 (VCV003749343.2).

ClinVar aggregate classification (germline): Uncertain significance (1 of 4 stars; one submission).

Conditions:
Idiopathic generalized epilepsy. Also called: Generalised epilepsy; EIG. Identifiers: MedGen C0270850, MONDO:0005579, OMIM 600669.
Hyperaldosteronism, familial, type IV (HALD4). Also called: FH IV; ALDOSTERONISM, PRIMARY, AND HYPERTENSION. Identifiers: Orphanet 642671, MedGen C4310756, MONDO:0014875, OMIM 617027.

Submission:

Labcorp Genetics (formerly Invitae), Labcorp
Classification: Uncertain significance for Idiopathic generalized epilepsy; Hyperaldosteronism, familial, type IV. Last evaluated: 2024-06-16. Review status: criteria provided, single submitter. Criteria: Invitae Variant Classification Sherloc (09022015). Collection method: clinical testing. Allele origin: germline.
Comment: This sequence change falls in intron 7 of the CACNA1H gene. It does not directly change the encoded amino acid sequence of the CACNA1H protein. It affects a nucleotide within the consensus splice site. This variant is not present in population databases (gnomAD no frequency). This variant has not been reported in the literature in individuals affected with CACNA1H-related conditions. Variants that disrupt the consensus splice site are a relatively common cause of aberrant splicing (PMID: 17576681, 9536098). Algorithms developed to predict the effect of sequence changes on RNA splicing suggest that this variant may disrupt the consensus splice site. In summary, the available evidence is currently insufficient to determine the role of this variant in disease. Therefore, it has been classified as a Variant of Uncertain Significance.

Literature cited by the submitters: PubMed 17576681; PubMed 9536098.